The following is an entry in ClinVar:

NM_006231.4(POLE):c.6647dup (p.Gln2217fs)

Gene: POLE (DNA polymerase epsilon, catalytic subunit; minus strand). Cytogenetic location: 12q24.33.
Variant type: Duplication.
Coding change: c.6647dup on transcript NM_006231.4 (MANE Select); coding-DNA position 6647, one base duplicated (T; older notation c.6647dupT).
Protein change: p.Gln2217fs; shifts the reading frame from glutamine 2217.
Molecular consequence: frameshift variant.
Genome position (GRCh38, 1-based): chr12:132,625,655, A duplicated on the plus strand (T on the coding strand, the reverse complement: POLE is on the minus strand). VCF-style (leftmost placement, unchanged base first): chr12-132625654-C-CA. GRCh37 (hg19) VCF-style: chr12-133202240-C-CA.
Other names: c.6647dupT (NM_006231.4); short protein forms Q2217fs.
Identifiers: ClinVar variation 3251748 (VCV003251748.1), dbSNP rs2541836863.

ClinVar aggregate classification (germline): Uncertain significance (1 of 4 stars; one submission).

Submission:

Women's Health and Genetics/Laboratory Corporation of America, LabCorp
Classification: Uncertain significance. Last evaluated: 2024-04-24. Review status: criteria provided, single submitter. Criteria: LabCorp Variant Classification Summary - May 2015. Collection method: clinical testing. Allele origin: germline.
Comment: Variant summary: POLE c.6647dupT (p.Gln2217AlafsX87) results in a premature termination codon, predicted to cause a frameshift to disrupt the last 70 amino acids and result in an extension of the protein. One upstream exntension variant c.6518_6519delCT (p.Ser2173PhefsX130) has been evaluated as uncertain significance at our lab (ClinVar ID 405609). The variant was absent in 250812 control chromosomes. The available data on variant occurrences in the general population are insufficient to allow any conclusion about variant significance. To our knowledge, no occurrence of c.6647dupT in individuals affected with Colorectal Cancer and other POLE-related conditions, and no experimental evidence demonstrating its impact on protein function have been reported. No submitters have cited clinical-significance assessments for this variant to ClinVar. Based on the evidence outlined above, the variant was classified as uncertain significance.